The following is an entry in ClinVar:

NM_000187.4(HGD):c.87+8_88-31del

Gene: HGD (homogentisate 1,2-dioxygenase; minus strand). Cytogenetic location: 3q13.33.
Variant type: Deletion.
Coding change: c.87+8_88-31del on transcript NM_000187.4 (MANE Select); 8 bases into the intron after coding-DNA position 87 through 31 bases into the intron before coding-DNA position 88, 765 bases deleted.
Molecular consequence: intron variant.
Genome position (GRCh38, 1-based): chr3:120,675,020-120,675,784, 765 bases deleted. GRCh37 (hg19): chr3:120,393,870-120,394,634.
Identifiers: ClinVar variation 2584692 (VCV002584692.2), dbSNP rs2472801605, ClinGen allele CA2582342885.

ClinVar aggregate classification (germline): Pathogenic (0 of 4 stars; one submission).

Conditions:
Alkaptonuria (AKU). Also called: Alkaptonuric ochronosis; Homogentisic acidura; HOMOGENTISIC ACID OXIDASE DEFICIENCY; Alcaptonuria. Identifiers: Orphanet 56, MedGen C0002066, MONDO:0008753, OMIM 203500.

Submission:

Department Of Human Genetics, Institute Of Clinical And Translational Research, Biomedical Research Center, Slovak Academy Of Sciences
Classification: Pathogenic for Alkaptonuria. Review status: no assertion criteria provided. Collection method: research. Allele origin: germline. Inheritance: Autosomal recessive inheritance. Affected: yes. Observed: 2 variant alleles.
Comment: The variant was originally described in PMID:30737480. It has been submitted to the HGD gene mutation database (DB-ID: AKU_00176).

Literature cited by the submitters: PubMed 30737480.